The following is an entry in ClinVar:

ClinVar aggregate classification (germline): Pathogenic (1 of 4 stars; one submission).

Conditions:
CEP290-related ciliopathy. Also called: CEP290 ciliopathy. Identifiers: MedGen CN305601, MONDO:0100451.

Submission:

Myriad Genetics, Inc.
Classification: Pathogenic for CEP290-related ciliopathy. Last evaluated: 2026-08-24. Review status: criteria provided, single submitter. Criteria: Myriad Autosomal Dominant, Autosomal Recessive and X-Linked Classification Criteria (2023). Collection method: clinical testing. Allele origin: unknown.
Comment: NM_025114.3(CEP290):c.355_356delCAinsAAC(Q119Nfs*3) is expected to be pathogenic in the context of CEP290-related disorders. This variant is predicted to lead to an abnormal or absent protein product due to the creation of a premature termination codon in CEP290, a gene where loss-of-function variants are known to be pathogenic. Please note: this variant was assessed in the context of healthy population screening.

NM_025114.4(CEP290):c.355_356delinsAAC (p.Gln119fs)

Gene: CEP290 (centrosomal protein 290; minus strand). Cytogenetic location: 12q21.32.
Variant type: Indel.
Coding change: c.355_356delinsAAC on transcript NM_025114.4 (MANE Select); coding-DNA positions 355 to 356, CA replaced by AAC.
Protein change: p.Gln119fs; shifts the reading frame from glutamine 119.
Molecular consequence: frameshift variant.
Genome position (GRCh38, 1-based): chr12:88,136,728-88,136,729, TG replaced by GTT on the plus strand (CA replaced by AAC on the coding strand, the reverse complement: CEP290 is on the minus strand). VCF-style: chr12-88136728-TG-GTT. GRCh37 (hg19) VCF-style: chr12-88530505-TG-GTT.
Other names: short protein forms Q119fs.
Identifiers: ClinVar variation 5016270 (VCV005016270.1).